The following is an entry in ClinVar:

NM_002691.4(POLD1):c.2388+4C>G

Gene: POLD1 (DNA polymerase delta 1, catalytic subunit; plus strand). Cytogenetic location: 19q13.33.
Variant type: single nucleotide variant.
Coding change: c.2388+4C>G on transcript NM_002691.4 (MANE Select); 4 bases into the intron after coding-DNA position 2388, C replaced by G.
Molecular consequence: intron variant.
Genome position (GRCh38, 1-based): chr19:50,413,883, C>G. VCF-style: chr19-50413883-C-G. GRCh37 (hg19) VCF-style: chr19-50917140-C-G.
Other names: c.2388+4C>G (NM_001256849.1); c.2466+4C>G (NM_001308632.1).
Identifiers: ClinVar variation 1053882 (VCV001053882.9), dbSNP rs371542643, ClinGen allele CA2499225574.

ClinVar aggregate classification (germline): Uncertain significance (1 of 4 stars; one submission).

Conditions:
POLD1-related polyposis and colorectal cancer syndrome (CRCS10). Also called: Colorectal cancer 10; COLORECTAL CANCER, SUSCEPTIBILITY TO, ON CHROMOSOME 19q; Colorectal cancer, susceptibility to, 10. Identifiers: Orphanet 220460, MedGen C2675481, MONDO:0012953, OMIM 612591.

Submission:

Labcorp Genetics (formerly Invitae), Labcorp
Classification: Uncertain significance for POLD1-related polyposis and colorectal cancer syndrome. Last evaluated: 2020-02-17. Review status: criteria provided, single submitter. Criteria: Invitae Variant Classification Sherloc (09022015). Collection method: clinical testing. Allele origin: germline.
Comment: This variant has not been reported in the literature in individuals with POLD1-related conditions. This variant is not present in population databases (ExAC no frequency). This sequence change falls in intron 19 of the POLD1 gene. It does not directly change the encoded amino acid sequence of the POLD1 protein, but it affects a nucleotide within the consensus splice site of the intron. Nucleotide substitutions within the consensus splice site are a relatively common cause of aberrant splicing (PMID: 17576681, 9536098). Algorithms developed to predict the effect of sequence changes on RNA splicing suggest that this variant is not likely to affect RNA splicing, but this prediction has not been confirmed by published transcriptional studies. In summary, the available evidence is currently insufficient to determine the role of this variant in disease. Therefore, it has been classified as a Variant of Uncertain Significance.

Literature cited by the submitters: PubMed 17576681; PubMed 9536098.